The following is an entry in ClinVar:

NM_000492.4(CFTR):c.3874-3828G>T

Gene: CFTR (CF transmembrane conductance regulator; plus strand). Cytogenetic location: 7q31.2.
Variant type: single nucleotide variant.
Coding change: c.3874-3828G>T on transcript NM_000492.4 (MANE Select); 3828 bases into the intron before coding-DNA position 3874, G replaced by T.
Molecular consequence: intron variant.
Genome position (GRCh38, 1-based): chr7:117,649,014, G>T. VCF-style: chr7-117649014-G-T. GRCh37 (hg19) VCF-style: chr7-117289068-G-T.
Identifiers: ClinVar variation 2690898 (VCV002690898.1), dbSNP rs1019943319, ClinGen allele CA164950591.
Genomic context (GRCh38, chr7:117,649,014, plus strand): 5'-TAGACAAAAGACCTACAGAATTTCTGAATGGTATCAAATTCACCACACTTAAAACTTTGG[G>T]ATGTCTAATTTCAACCAACAGCTTTCTTTCTTCATAATGTTGAATATATGTGTATCTATT-3'

ClinVar aggregate classification (germline): Uncertain significance (1 of 4 stars; one submission).

Conditions:
Cystic fibrosis (CF). Also called: MUCOVISCIDOSIS. Identifiers: Orphanet 586, MedGen C0010674, MONDO:0009061, OMIM 219700. Disease mechanism: loss of function.

Allele frequency attached by ClinVar (database versions not stated): TOPMed 0.00003.

Submission:

Johns Hopkins Genomics, Johns Hopkins University
Classification: Uncertain significance for Cystic fibrosis. Last evaluated: 2023-12-01. Review status: criteria provided, single submitter. Criteria: ACMG Guidelines, 2015. Collection method: clinical testing. Allele origin: germline.
Comment: This deep intronic CFTR variant is absent from a large population dataset and has not been reported in ClinVar nor the literature, to our knowledge. Three bioinformatic tools predict that this variant may create a cryptic splice donor site and lead to CFTR missplicing, however, this has not been assessed experimentally. Due to the lack of functional data, we consider the clinical significance of CFTR c.3874-3828G>T to be uncertain at this time.